The following is an entry in ClinVar:

NM_004522.3(KIF5C):c.76G>A (p.Gly26Arg)

Gene: KIF5C (kinesin family member 5C; plus strand). Cytogenetic location: 2q23.1.
Variant type: single nucleotide variant.
Coding change: c.76G>A on transcript NM_004522.3 (MANE Select); coding-DNA position 76, G replaced by A.
Protein change: p.Gly26Arg; replaces glycine 26 with arginine.
Molecular consequence: missense variant.
Genome position (GRCh38, 1-based): chr2:148,875,693, G>A. VCF-style: chr2-148875693-G-A. GRCh37 (hg19) VCF-style: chr2-149633262-G-A.
Other names: short protein forms G26R.
Identifiers: ClinVar variation 3893600 (VCV003893600.1).

ClinVar aggregate classification (germline): Uncertain significance (1 of 4 stars; one submission).

Submission:

GeneDx
Classification: Uncertain significance. Last evaluated: 2024-10-24. Review status: criteria provided, single submitter. Criteria: GeneDx Variant Classification Process June 2021. Collection method: clinical testing. Allele origin: germline. Affected: yes.
Comment: Not observed at significant frequency in large population cohorts (gnomAD); In silico analysis supports that this missense variant has a deleterious effect on protein structure/function; Has not been previously published as pathogenic or benign to our knowledge